The following is an entry in ClinVar:

NM_006393.3(NEBL):c.2223T>A (p.Asn741Lys)

Gene: NEBL (nebulette; minus strand). Cytogenetic location: 10p12.31.
Variant type: single nucleotide variant.
Coding change: c.2223T>A on transcript NM_006393.3 (MANE Select); coding-DNA position 2223, T replaced by A.
Protein change: p.Asn741Lys; replaces asparagine 741 with lysine.
Molecular consequence: missense variant. On other transcripts: intron variant (9).
Genome position (GRCh38, 1-based): chr10:20,815,643, A>T on the plus strand (T>A on the coding strand, the complement: NEBL is on the minus strand). VCF-style: chr10-20815643-A-T. GRCh37 (hg19) VCF-style: chr10-21104572-A-T.
Other names: c.358-2703T>A (NM_001173484.2, NM_001377322.1, NM_213569.2); c.301-2703T>A (NM_001377324.1); c.292-2703T>A (NM_001377325.1); c.310-2703T>A (NM_001377323.1); c.250-2703T>A (NM_001377326.1, NM_001377327.1, NM_001377328.1); short protein forms N741K.
Identifiers: ClinVar variation 3676873 (VCV003676873.2).

ClinVar aggregate classification (germline): Uncertain significance (1 of 4 stars; one submission).

Conditions:
Primary dilated cardiomyopathy (DCM). Also called: Dilated Cardiomyopathy. Identifiers: Orphanet 217604, MedGen C0007193, MeSH D002311, MONDO:0005021, HP:0001644. Inheritance: Various modes of inheritance.

Submission:

Labcorp Genetics (formerly Invitae), Labcorp
Classification: Uncertain significance for Primary dilated cardiomyopathy. Last evaluated: 2024-06-05. Review status: criteria provided, single submitter. Criteria: Invitae Variant Classification Sherloc (09022015). Collection method: clinical testing. Allele origin: germline.
Comment: This sequence change replaces asparagine, which is neutral and polar, with lysine, which is basic and polar, at codon 741 of the NEBL protein (p.Asn741Lys). This variant is not present in population databases (gnomAD no frequency). This variant has not been reported in the literature in individuals affected with NEBL-related conditions. An algorithm developed to predict the effect of missense changes on protein structure and function (PolyPhen-2) suggests that this variant is likely to be disruptive. In summary, the available evidence is currently insufficient to determine the role of this variant in disease. Therefore, it has been classified as a Variant of Uncertain Significance.